The following is an entry in ClinVar:

ClinVar aggregate classification (germline): Uncertain significance. Review status: criteria provided, multiple submitters, no conflicts (2 of 4 stars). 2 submissions from 2 submitters: Uncertain significance (2). Last evaluated 2026-08-29.

Conditions:
Hereditary cancer-predisposing syndrome. Also called: Tumor predisposition; Hereditary neoplastic syndrome; Neoplastic Syndromes, Hereditary; Hereditary Cancer Syndrome. Identifiers: Orphanet 140162, MedGen C0027672, MeSH D009386, MONDO:0015356.
Familial adenomatous polyposis 1 (FAP1). Also called: POLYPOSIS, ADENOMATOUS INTESTINAL; FAMILIAL ADENOMATOUS POLYPOSIS 1, ATTENUATED. Identifiers: MedGen C2713442, MONDO:0021056, OMIM 175100. Disease mechanism: loss of function.

gnomAD v4.1: 2 of 1,600,362 alleles (0.00012%); highest among the groups gnomAD compares: Non-Finnish European, 0.00017%; no homozygotes.

Submissions (2):

Ambry Genetics
Classification: Uncertain significance for Hereditary cancer-predisposing syndrome. Last evaluated: 2026-08-29. Review status: criteria provided, single submitter. Criteria: Ambry Variant Classification Scheme 2023. Collection method: clinical testing. Allele origin: germline.
Comment: The p.R2801L variant (also known as c.8402G>T), located in coding exon 15 of the APC gene, results from a G to T substitution at nucleotide position 8402. The arginine at codon 2801 is replaced by leucine, an amino acid with dissimilar properties. This amino acid position is conserved. In addition, in silico predictors for this gene do not accurately predict pathogenicity. Based on the available evidence, the clinical significance of this variant remains unclear.

Labcorp Genetics (formerly Invitae), Labcorp
Classification: Uncertain significance for Familial adenomatous polyposis 1. Last evaluated: 2022-08-30. Review status: criteria provided, single submitter. Criteria: Invitae Variant Classification Sherloc (09022015). Collection method: clinical testing. Allele origin: germline.
Comment: In summary, the available evidence is currently insufficient to determine the role of this variant in disease. Therefore, it has been classified as a Variant of Uncertain Significance. Algorithms developed to predict the effect of missense changes on protein structure and function are either unavailable or do not agree on the potential impact of this missense change (SIFT: "Deleterious"; PolyPhen-2: "Probably Damaging"; Align-GVGD: "Class C15"). This variant has not been reported in the literature in individuals affected with APC-related conditions. This variant is not present in population databases (gnomAD no frequency). This sequence change replaces arginine, which is basic and polar, with leucine, which is neutral and non-polar, at codon 2801 of the APC protein (p.Arg2801Leu).

NM_000038.6(APC):c.8402G>T (p.Arg2801Leu)

Gene: APC (APC regulator of Wnt signaling pathway; plus strand). Cytogenetic location: 5q22.2.
Variant type: single nucleotide variant.
Coding change: c.8402G>T on transcript NM_000038.6 (MANE Select); coding-DNA position 8402, G replaced by T.
Protein change: p.Arg2801Leu; replaces arginine 2801 with leucine.
Molecular consequence: missense variant.
Genome position (GRCh38, 1-based): chr5:112,843,996, G>T. VCF-style: chr5-112843996-G-T. GRCh37 (hg19) VCF-style: chr5-112179693-G-T.
Other names: c.8402G>T (NM_000038.5); c.8402G>T, p.Arg2801Leu (NM_001127510.3, NM_001354895.2, NM_001407450.1); c.8348G>T, p.Arg2783Leu (NM_001127511.3); c.8456G>T, p.Arg2819Leu (NM_001354896.2, NM_001407447.1, NM_001407448.1 and 1 more transcripts); c.8432G>T, p.Arg2811Leu (NM_001354897.2); c.8327G>T, p.Arg2776Leu (NM_001354898.2); c.8318G>T, p.Arg2773Leu (NM_001354899.2); c.8279G>T, p.Arg2760Leu (NM_001354900.2); and 12 more; short protein forms R2417L, R2518L, R2641L, R2672L, R2675L, R2700L, R2710L, R2718L.
Identifiers: ClinVar variation 1718393 (VCV001718393.7), dbSNP rs754363694, ClinGen allele CA16039566.
Genomic context (GRCh38, chr5:112,843,996, plus strand): 5'-TGACTCCTTTTAATTACAACCCAAGCCCTAGGAAAAGCAGCGCAGATAGCACTTCAGCTC[G>T]GCCATCTCAGATCCCAACTCCAGTGAATAACAACACAAAGAAGCGAGATTCCAAAACTGA-3'
Protein context (NP_000029.2, residues 2791-2811): RKSSADSTSA[Arg2801Leu]PSQIPTPVNN